The following is an entry in ClinVar:

ClinVar aggregate classification (germline): Likely benign (1 of 4 stars; one submission).

Conditions:
Breast-ovarian cancer, familial, susceptibility to, 1 (BROVCA1). Also called: OVARIAN CANCER, SUSCEPTIBILITY TO; BRCA1 Hereditary Breast and Ovarian Cancer. Identifiers: Orphanet 145, MedGen C2676676, MONDO:0011450, OMIM 604370. Disease mechanism: loss of function.

gnomAD v4.1: 1 of 1,613,348 alleles (0.000062%); highest among the groups gnomAD compares: South Asian, 0.0011%; no homozygotes.

Submission:

Cancer Bioinformatics and Tumour Evolution Laboratory, Monash University
Classification: Likely benign for Breast-ovarian cancer, familial, susceptibility to, 1. Last evaluated: 2026-05-01. Review status: criteria provided, single submitter. Criteria: ClinGen BRCA1 and BRCA2 Guidelines, 2024. Collection method: curation. Allele origin: germline. Inheritance: Autosomal dominant inheritance.
Comment: PMID: 34178674 - variant (germline) was reported in a patient with ovarian cancer co-occurring with path variant c.984_985insC (frameshift). SIFT predicted the 1007C>T as "damaging". If more information was provided in the study about the patient, BS2 application could be considered based on BRCA1 and BRCA2 VCEP guidelines. Additionally, since it is a missense variant outside the functional domain with no predicted splice impact, BP1_Strong is applied, based on VCEP guidelines. (PMID: 39142283)

Literature cited by the submitters: PubMed 34178674.

NM_007294.4(BRCA1):c.1007C>T (p.Thr336Ile)

Gene: BRCA1 (BRCA1 DNA repair associated; minus strand). Cytogenetic location: 17q21.31.
Variant type: single nucleotide variant.
Coding change: c.1007C>T on transcript NM_007294.4 (MANE Select); coding-DNA position 1007, C replaced by T.
Protein change: p.Thr336Ile; replaces threonine 336 with isoleucine.
Molecular consequence: missense variant. On other transcripts: intron variant (137).
Genome position (GRCh38, 1-based): chr17:43,094,524, G>A on the plus strand (C>T on the coding strand, the complement: BRCA1 is on the minus strand). VCF-style: chr17-43094524-G-A. GRCh37 (hg19) VCF-style: chr17-41246541-G-A.
Other names: c.863C>T, p.Thr288Ile (NM_001407746.1, NM_001407747.1, NM_001407748.1 and 20 more transcripts); c.866C>T, p.Thr289Ile (NM_001407750.1, NM_001407751.1, NM_001407752.1 and 29 more transcripts); c.794C>T, p.Thr265Ile (NM_001407853.1, NM_001407894.1, NM_001407895.1 and 9 more transcripts); c.1007C>T, p.Thr336Ile (NM_001407854.1, NM_001407858.1, NM_001407859.1 and 30 more transcripts); c.1004C>T, p.Thr335Ile (NM_001407860.1, NM_001407861.1, NM_001407587.1 and 22 more transcripts); c.806C>T, p.Thr269Ile (NM_001407862.1); c.797C>T, p.Thr266Ile (NM_001407889.1, NM_001407900.1, NM_001407902.1 and 13 more transcripts); c.706+220C>T (NM_001408413.1, NM_001408416.1); and 40 more; short protein forms T168I, T208I, T209I, T224I, T225I, T247I, T248I, T265I.
Identifiers: ClinVar variation 4856540 (VCV004856540.1).
Genomic context (GRCh38, chr17:43,094,524, plus strand): 5'-TGCTTATTCCATTCTTTTCTCTCACACAGGGGATCAGCATTCAGATCTACCTTTTTTTCT[G>A]TGCTGGGAGTCCGCCTATCATTACATGTTTCCTTACTTCCAGCCCATCTGTTATGTTGGC-3'
Protein context (NP_009225.1, residues 326-346): ETCNDRRTPS[Thr336Ile]EKKVDLNADP